The following is an entry in ClinVar:

NM_000430.4(PAFAH1B1):c.559dup (p.Thr187fs)

Gene: PAFAH1B1 (platelet activating factor acetylhydrolase 1b regulatory subunit 1; plus strand). Cytogenetic location: 17p13.3.
Variant type: Duplication.
Coding change: c.559dup on transcript NM_000430.4 (MANE Select); coding-DNA position 559, one base duplicated (A; older notation c.559dupA).
Protein change: p.Thr187fs; shifts the reading frame from threonine 187.
Molecular consequence: frameshift variant.
Genome position (GRCh38, 1-based): chr17:2,670,322, A duplicated; the last of 2 consecutive A bases (chr17:2,670,321-2,670,322); duplicating either gives the same sequence. VCF-style (leftmost placement, unchanged base first): chr17-2670320-G-GA. GRCh37 (hg19) VCF-style: chr17-2573614-G-GA.
Other names: short protein forms T187fs.
Identifiers: ClinVar variation 3061181 (VCV003061181.2), dbSNP rs2544097240, ClinGen allele CA2740095183.

ClinVar aggregate classification (germline): Likely pathogenic (0 of 4 stars; one submission).

Conditions:
PAFAH1B1-related disorder. Also called: PAFAH1B1-related condition.

Submission:

PreventionGenetics, part of Exact Sciences
Classification: Likely pathogenic for PAFAH1B1-related condition. Last evaluated: 2024-02-26. Review status: no assertion criteria provided. Collection method: clinical testing. Allele origin: germline.
Comment: The PAFAH1B1 c.559dupA variant is predicted to result in a frameshift and premature protein termination (p.Thr187Asnfs*6). To our knowledge, this variant has not been reported in the literature or in a large population database, indicating this variant is rare. Frameshift variants in PAFAH1B1 are expected to be pathogenic. This variant is interpreted as likely pathogenic.